The following is an entry in ClinVar:

NM_033056.4(PCDH15):c.5708T>C (p.Ile1903Thr)

Gene: PCDH15 (protocadherin related 15; minus strand). Cytogenetic location: 10q21.1.
Variant type: single nucleotide variant.
Coding change: c.5708T>C on transcript NM_033056.4 (MANE Plus Clinical); coding-DNA position 5708, T replaced by C.
Protein change: p.Ile1903Thr; replaces isoleucine 1903 with threonine.
Molecular consequence: missense variant. On other transcripts: intron variant (8).
Genome position (GRCh38, 1-based): chr10:53,822,018, A>G on the plus strand (T>C on the coding strand, the complement: PCDH15 is on the minus strand). VCF-style: chr10-53822018-A-G. GRCh37 (hg19) VCF-style: chr10-55581778-A-G.
Other names: c.5699T>C, p.Ile1900Thr (NM_001142766.2); c.5588T>C, p.Ile1863Thr (NM_001142767.2); c.5648T>C, p.Ile1883Thr (NM_001142768.2); c.5639T>C, p.Ile1880Thr (NM_001142773.2); c.5642T>C, p.Ile1881Thr (NM_001354404.2); c.4367+5375T>C (NM_001354420.2); c.4368-4005T>C (NM_001354429.2); c.4368-1788T>C (NM_001384140.1); and 7 more; short protein forms I1863T, I1883T, I1903T, I1910T, I1834T, I1905T, I1880T, I1881T.
Identifiers: ClinVar variation 968015 (VCV000968015.10), dbSNP rs202223635, ClinGen allele CA376524390.
Genomic context (GRCh38, chr10:53,822,018, plus strand): 5'-ACTTCTGAAGGGCACATAGTTTGAAGTTCTGAAACATTTGTGCGTAGATAGTTTTTTTCT[A>G]TTTGACTGTACATGTTAGCTACTGATTTTTCAAGTTCTGCTAAGTTTTTAACGTGTCTGA-3'
Protein context (NP_149045.3, residues 1893-1913): EKSVANMYSQ[Ile1903Thr]EKNYLRTNVS

ClinVar aggregate classification (germline): Uncertain significance. Review status: criteria provided, multiple submitters, no conflicts (2 of 4 stars). 4 submissions from 4 submitters: Uncertain significance (3). 1 of the submissions does not count toward it. Last evaluated 2024-05-03.

Conditions:
Usher syndrome type 1F (USH1F). Also called: USHER SYNDROME, TYPE IF. Identifiers: Orphanet 231169, Orphanet 886, MedGen C1865885, MONDO:0011186, OMIM 602083.

Allele frequency attached by ClinVar (database versions not stated): gnomAD exomes below 0.00001.
gnomAD v4.1: 2 of 1,613,960 alleles (0.00012%); highest among the groups gnomAD compares: Non-Finnish European, 0.00017%; no homozygotes.

Submissions (4):

GeneDx
Classification: Uncertain significance. Last evaluated: 2024-05-03. Review status: criteria provided, single submitter. Criteria: GeneDx Variant Classification Process June 2021. Collection method: clinical testing. Allele origin: germline. Affected: yes.
Comment: Not observed at significant frequency in large population cohorts (gnomAD); In silico analysis indicates that this missense variant does not alter protein structure/function; Has not been previously published as pathogenic or benign to our knowledge

Blueprint Genetics
Classification: Uncertain significance. Last evaluated: 2021-10-22. Review status: criteria provided, single submitter. Criteria: ACMG Guidelines, 2015. Collection method: clinical testing. Allele origin: germline.

Labcorp Genetics (formerly Invitae), Labcorp
Classification: Uncertain significance. Last evaluated: 2021-09-01. Review status: criteria provided, single submitter. Criteria: Invitae Variant Classification Sherloc (09022015). Collection method: clinical testing. Allele origin: germline.
Comment: This sequence change replaces isoleucine with threonine at codon 1903 of the PCDH15 protein (p.Ile1903Thr). The isoleucine residue is moderately conserved and there is a moderate physicochemical difference between isoleucine and threonine. This variant is not present in population databases (ExAC no frequency). This variant has not been reported in the literature in individuals affected with PCDH15-related conditions. Algorithms developed to predict the effect of missense changes on protein structure and function are either unavailable or do not agree on the potential impact of this missense change (SIFT: "Tolerated"; PolyPhen-2: "Not Available"; Align-GVGD: "Class C0"). In summary, the available evidence is currently insufficient to determine the role of this variant in disease. Therefore, it has been classified as a Variant of Uncertain Significance.

Natera, Inc.
Classification: Uncertain significance for Usher syndrome type 1F. Last evaluated: 2021-03-25. Review status: no assertion criteria provided. Collection method: clinical testing. Allele origin: germline. Not counted in ClinVar's aggregate classification.